The following is an entry in ClinVar:

NM_020937.4(FANCM):c.2447C>T (p.Ser816Leu)

Gene: FANCM (FA complementation group M; plus strand). Cytogenetic location: 14q21.2.
Variant type: single nucleotide variant.
Coding change: c.2447C>T on transcript NM_020937.4 (MANE Select); coding-DNA position 2447, C replaced by T.
Protein change: p.Ser816Leu; replaces serine 816 with leucine.
Molecular consequence: missense variant.
Genome position (GRCh38, 1-based): chr14:45,175,201, C>T. VCF-style: chr14-45175201-C-T. GRCh37 (hg19) VCF-style: chr14-45644404-C-T.
Other names: c.2369C>T, p.Ser790Leu (NM_001308133.2); short protein forms S790L, S816L.
Identifiers: ClinVar variation 3848767 (VCV003848767.1).
Genomic context (GRCh38, chr14:45,175,201, plus strand): 5'-CTCCCAGGAATGAATCTAATAATCTTGCCAGTGACACCTTTATCACTCACAAGAAATCGT[C>T]ATTTATAAAGAACATAAATCAAGGCAGTTCATCCTCAGTGATAGAATCTGATGAAGAATG-3'
Protein context (NP_065988.1, residues 806-826): SDTFITHKKS[Ser816Leu]FIKNINQGSS

ClinVar aggregate classification (germline): Uncertain significance (1 of 4 stars; one submission).

Conditions:
Inborn genetic diseases. Identifiers: MedGen C0950123, MeSH D030342.

gnomAD v4.1: 2 of 1,611,354 alleles (0.00012%); highest among the groups gnomAD compares: Non-Finnish European, 0.00017%; no homozygotes.

Submission:

Ambry Genetics
Classification: Uncertain significance for Inborn genetic diseases. Last evaluated: 2025-02-27. Review status: criteria provided, single submitter. Criteria: Ambry Variant Classification Scheme 2023. Collection method: clinical testing. Allele origin: germline.
Comment: The p.S816L variant (also known as c.2447C>T), located in coding exon 14 of the FANCM gene, results from a C to T substitution at nucleotide position 2447. The serine at codon 816 is replaced by leucine, an amino acid with dissimilar properties. This amino acid position is conserved. In addition, this alteration is predicted to be tolerated by in silico analysis. Based on the available evidence, the clinical significance of this variant remains unclear.